The following is an entry in ClinVar:

ClinVar aggregate classification (germline): Uncertain significance (1 of 4 stars; one submission).

Conditions:
Ehlers-Danlos syndrome, classic type, 1 (EDSCL1). Also called: EHLERS-DANLOS SYNDROME, GRAVIS TYPE; EHLERS-DANLOS SYNDROME, SEVERE CLASSIC TYPE; Ehlers-Danlos syndrome, type 1; Ehlers-Danlos Syndrome, Classic Type, COL5A1-Related; EDS I. Identifiers: MedGen C0268335, MONDO:0019567, OMIM 130000.
Osteogenesis imperfecta type I (OI1). Also called: OI, TYPE I; OSTEOGENESIS IMPERFECTA TARDA; OSTEOGENESIS IMPERFECTA WITH BLUE SCLERAE; Osteogenesis imperfecta type 1; Lobstein's Disease; Lobstein disease. Identifiers: Orphanet 216796, Orphanet 666, MedGen C0023931, MONDO:0008146, OMIM 166200. Disease mechanism: loss of function.

Submission:

Labcorp Genetics (formerly Invitae), Labcorp
Classification: Uncertain significance for Osteogenesis imperfecta type I; Ehlers-Danlos syndrome, classic type, 1. Last evaluated: 2026-01-26. Review status: criteria provided, single submitter. Criteria: Invitae Variant Classification Sherloc (09022015). Collection method: clinical testing. Allele origin: germline.
Comment: This sequence change replaces arginine, which is basic and polar, with serine, which is neutral and polar, at codon 573 of the COL1A2 protein (p.Arg573Ser). This variant also falls at the last nucleotide of exon 29, which is part of the consensus splice site for this exon. This variant is not present in population databases (gnomAD no frequency). This variant has not been reported in the literature in individuals affected with COL1A2-related conditions. ClinVar contains an entry for this variant (Variation ID: 3751812). Experimental studies and prediction algorithms are not available or were not evaluated, and the functional significance of this variant is currently unknown. Variants that disrupt the consensus splice site are a relatively common cause of aberrant splicing (PMID: 17576681, 9536098). Algorithms developed to predict the effect of sequence changes on RNA splicing suggest that this variant may create or strengthen a splice site. In summary, the available evidence is currently insufficient to determine the role of this variant in disease. Therefore, it has been classified as a Variant of Uncertain Significance.

Literature cited by the submitters: PubMed 17576681; PubMed 9536098.

NM_000089.4(COL1A2):c.1719G>T (p.Arg573Ser)

Gene: COL1A2 (collagen type I alpha 2 chain; plus strand). Cytogenetic location: 7q21.3.
Variant type: single nucleotide variant.
Coding change: c.1719G>T on transcript NM_000089.4 (MANE Select); coding-DNA position 1719, G replaced by T.
Protein change: p.Arg573Ser; replaces arginine 573 with serine.
Molecular consequence: missense variant.
Genome position (GRCh38, 1-based): chr7:94,414,275, G>T. VCF-style: chr7-94414275-G-T. GRCh37 (hg19) VCF-style: chr7-94043587-G-T.
Other names: short protein forms R573S.
Identifiers: ClinVar variation 3751812 (VCV003751812.2).